The following is an entry in ClinVar:

ClinVar aggregate classification (germline): Uncertain significance (1 of 4 stars; one submission).

Conditions:
Acrocallosal syndrome (ACLS). Also called: HALLUX DUPLICATION, POSTAXIAL POLYDACTYLY, AND ABSENCE OF CORPUS CALLOSUM; Schinzel syndrome 1; Absence of corpus callosum with unusual facial appearance, mental deficiency, duplication of the halluces and polydactyly. Identifiers: Orphanet 36, MedGen C0796147, MONDO:0008708, OMIM 200990.

Submission:

Labcorp Genetics (formerly Invitae), Labcorp
Classification: Uncertain significance for Acrocallosal syndrome. Last evaluated: 2025-07-31. Review status: criteria provided, single submitter. Criteria: Invitae Variant Classification Sherloc (09022015). Collection method: clinical testing. Allele origin: germline.
Comment: This sequence change replaces proline, which is neutral and non-polar, with serine, which is neutral and polar, at codon 556 of the KIF7 protein (p.Pro556Ser). This variant is not present in population databases (gnomAD no frequency). This variant has not been reported in the literature in individuals affected with KIF7-related conditions. ClinVar contains an entry for this variant (Variation ID: 2126340). Invitae Evidence Modeling of protein sequence and biophysical properties (such as structural, functional, and spatial information, amino acid conservation, physicochemical variation, residue mobility, and thermodynamic stability) indicates that this missense variant is not expected to disrupt KIF7 protein function with a negative predictive value of 80%. In summary, the available evidence is currently insufficient to determine the role of this variant in disease. Therefore, it has been classified as a Variant of Uncertain Significance.

NM_198525.3(KIF7):c.1666C>T (p.Pro556Ser)

Gene: KIF7 (kinesin family member 7; minus strand). Cytogenetic location: 15q26.1.
Variant type: single nucleotide variant.
Coding change: c.1666C>T on transcript NM_198525.3 (MANE Select); coding-DNA position 1666, C replaced by T.
Protein change: p.Pro556Ser; replaces proline 556 with serine.
Molecular consequence: missense variant.
Genome position (GRCh38, 1-based): chr15:89,646,952, G>A on the plus strand (C>T on the coding strand, the complement: KIF7 is on the minus strand). VCF-style: chr15-89646952-G-A. GRCh37 (hg19) VCF-style: chr15-90190183-G-A.
Other names: short protein forms P556S.
Identifiers: ClinVar variation 2126340 (VCV002126340.4), dbSNP rs2505486994, ClinGen allele CA393767605.